The following is an entry in ClinVar:

NM_001042492.3(NF1):c.7092G>A (p.Arg2364=)

Gene: NF1 (neurofibromin 1; plus strand). Cytogenetic location: 17q11.2.
Variant type: single nucleotide variant.
Coding change: c.7092G>A on transcript NM_001042492.3 (MANE Select); coding-DNA position 7092, G replaced by A.
Protein change: p.Arg2364=; no amino-acid change (arginine 2364 retained).
Molecular consequence: synonymous variant.
Genome position (GRCh38, 1-based): chr17:31,343,038, G>A. VCF-style: chr17-31343038-G-A. GRCh37 (hg19) VCF-style: chr17-29670056-G-A.
Other names: c.7029G>A, p.Arg2343= (NM_000267.4).
Identifiers: ClinVar variation 229662 (VCV000229662.19), dbSNP rs762081710, ClinGen allele CA8487497.

ClinVar aggregate classification (germline): Benign/Likely benign. Review status: criteria provided, multiple submitters, no conflicts (2 of 4 stars). 7 submissions from 7 submitters: Benign (1); Likely benign (5). 1 of the submissions does not count toward it. Last evaluated 2026-05-21.

Conditions:
NF1-related disorder. Also called: NF1-related condition. Identifiers: MedGen CN379171.
Hereditary cancer-predisposing syndrome. Also called: Hereditary neoplastic syndrome; Neoplastic Syndromes, Hereditary; Hereditary Cancer Syndrome; Tumor predisposition. Identifiers: Orphanet 140162, MedGen C0027672, MeSH D009386, MONDO:0015356.
Café-au-lait macules with pulmonary stenosis (WTSN). Also called: PULMONIC STENOSIS WITH CAFE-AU-LAIT SPOTS. Identifiers: MedGen C0553586, MONDO:0008672, OMIM 193520.
Neurofibromatosis, type 1 (NF1). Also called: NEUROFIBROMATOSIS, TYPE I, SOMATIC; Neurofibromatosis, type I; VON RECKLINGHAUSEN DISEASE; Peripheral type neurofibromatosis. Identifiers: Orphanet 636, MedGen C0027831, MONDO:0018975, OMIM 162200. Disease mechanism: loss of function.
Neurofibromatosis-Noonan syndrome (NFNS). Also called: NEUROFIBROMATOSIS WITH NOONAN PHENOTYPE. Identifiers: Orphanet 638, MedGen C2931482, MONDO:0011035, OMIM 601321. Disease mechanism: loss of function.
Neurofibromatosis, familial spinal (FSNF). Identifiers: Orphanet 636, MedGen C1834235, MONDO:0008078, OMIM 162210. Disease mechanism: loss of function.
Juvenile myelomonocytic leukemia (JMML). Also called: LEUKEMIA, JUVENILE MYELOMONOCYTIC, SOMATIC. Identifiers: Orphanet 86834, MedGen C0349639, MONDO:0011908, OMIM 607785, HP:0012209.

Allele frequency attached by ClinVar (database versions not stated): ExAC 0.00001; gnomAD 0.00001; gnomAD exomes 0.00001 and 0.00002; TOPMed 0.00001.
gnomAD v4.1: 16 of 1,613,928 alleles (0.00099%); highest among the groups gnomAD compares: Admixed American, 0.01%; no homozygotes.

Submissions (7):

Myriad Genetics, Inc.
Classification: Benign for Neurofibromatosis, type 1. Last evaluated: 2026-05-21. Review status: criteria provided, single submitter. Criteria: Myriad Autosomal Dominant, Autosomal Recessive and X-Linked Classification Criteria (2023). Collection method: clinical testing. Allele origin: unknown.
Comment: This variant is considered benign. This variant is a silent/synonymous amino acid change and it is not expected to impact splicing.

Labcorp Genetics (formerly Invitae), Labcorp
Classification: Likely benign for Neurofibromatosis, type 1. Last evaluated: 2025-12-24. Review status: criteria provided, single submitter. Criteria: Invitae Variant Classification Sherloc (09022015). Collection method: clinical testing. Allele origin: germline.

Genome-Nilou Lab
Classification: Likely benign for Neurofibromatosis, type 1. Last evaluated: 2022-03-15. Review status: criteria provided, single submitter. Criteria: ACMG Guidelines, 2015. Collection method: clinical testing. Allele origin: germline. Affected: no.

Fulgent Genetics
Classification: Likely benign for Neurofibromatosis, type 1; Neurofibromatosis, familial spinal; Café-au-lait macules with pulmonary stenosis; Neurofibromatosis-Noonan syndrome; Juvenile myelomonocytic leukemia. Last evaluated: 2021-08-26. Review status: criteria provided, single submitter. Criteria: ACMG Guidelines, 2015. Collection method: clinical testing. Allele origin: unknown.

Sema4
Classification: Likely benign for Hereditary cancer-predisposing syndrome. Last evaluated: 2021-06-03. Review status: criteria provided, single submitter. Criteria: Sema4 Curation Guidelines. Collection method: curation. Allele origin: germline.

Ambry Genetics
Classification: Likely benign for Hereditary cancer-predisposing syndrome. Last evaluated: 2015-12-11. Review status: criteria provided, single submitter. Criteria: Ambry Autosomal Dominant and X-Linked criteria (10/2015). Collection method: clinical testing. Allele origin: germline. Observed: 1 variant allele.

PreventionGenetics, part of Exact Sciences
Classification: Likely benign for NF1-related condition. Last evaluated: 2019-10-29. Review status: no assertion criteria provided. Collection method: clinical testing. Allele origin: germline. Not counted in ClinVar's aggregate classification.
Comment: This variant is classified as likely benign based on ACMG/AMP sequence variant interpretation guidelines (Richards et al. 2015 PMID: 25741868, with internal and published modifications).